The following is an entry in ClinVar:

NM_001267550.2(TTN):c.89368G>A (p.Val29790Ile)

Genes: TTN (titin; minus strand), TTN-AS1 (TTN antisense RNA 1; plus strand). Cytogenetic location: 2q31.2.
Variant type: single nucleotide variant.
Coding change: c.89368G>A on transcript NM_001267550.2 (MANE Select); coding-DNA position 89368, G replaced by A.
Protein change: p.Val29790Ile; replaces valine 29790 with isoleucine.
Molecular consequence: missense variant.
Genome position (GRCh38, 1-based): chr2:178,553,637, C>T on the plus strand (G>A on the coding strand, the complement: TTN is on the minus strand). VCF-style: chr2-178553637-C-T. GRCh37 (hg19) VCF-style: chr2-179418364-C-T.
Other names: c.84445G>A, p.Val28149Ile (NM_001256850.1); c.62173G>A, p.Val20725Ile (NM_003319.4); c.62548G>A, p.Val20850Ile (NM_133432.3); c.62749G>A, p.Val20917Ile (NM_133437.4); c.81664G>A, p.Val27222Ile (NM_133378.4); short protein forms V27222I, V29790I, V20725I, V20917I, V20850I, V28149I.
Identifiers: ClinVar variation 228161 (VCV000228161.6), dbSNP rs775906983, ClinGen allele CA1987937.

ClinVar aggregate classification (germline): Conflicting classifications of pathogenicity. Review status: criteria provided, conflicting classifications (1 of 4 stars). 2 submissions from 2 submitters: Uncertain significance (1); Likely benign (1). Last evaluated 2025-07-15.

Conditions:
TTN-related disorder. Also called: TTN-related disorders; TTN-related condition; TTN-related disease.

Allele frequency attached by ClinVar (database versions not stated): gnomAD exomes 0.00001 and 0.00002; TOPMed 0.00001; ExAC 0.00003.
gnomAD v4.1: 10 of 1,613,880 alleles (0.00062%); highest among the groups gnomAD compares: East Asian, 0.0089%; no homozygotes.

Submissions (2):

PreventionGenetics, part of Exact Sciences
Classification: Uncertain significance for TTN-related condition. Last evaluated: 2025-07-15. Review status: criteria provided, single submitter. Criteria: ACMG Guidelines, 2015. Collection method: clinical testing. Allele origin: germline.
Comment: The TTN c.89368G>A variant is predicted to result in the amino acid substitution p.Val29790Ile. To our knowledge, this variant has not been reported in the literature. This variant is reported in 0.022% of alleles in individuals of East Asian descent in gnomAD. At this time, the clinical significance of this variant is uncertain due to the absence of conclusive functional and genetic evidence.

Laboratory for Molecular Medicine, Mass General Brigham Personalized Medicine
Classification: Likely benign. Last evaluated: 2015-12-18. Review status: criteria provided, single submitter. Criteria: LMM Criteria. Collection method: clinical testing. Allele origin: germline. Observed: 1 variant allele.
Comment: p.Val27222Ile in exon 283 of TTN: This variant is not expected to have clinical significance due to a lack of conservation across species, including mammals. Of note, five species including the Big Brown Bat, Star Nosed-Mole and Wallaby hav e an isoleucine (Ile) at this position despite high nearby amino acid conservati on.